The following is an entry in ClinVar:

NM_000038.6(APC):c.6538A>G (p.Lys2180Glu)

Gene: APC (APC regulator of WNT signaling pathway; plus strand). Cytogenetic location: 5q22.2.
Variant type: single nucleotide variant.
Coding change: c.6538A>G on transcript NM_000038.6 (MANE Select); coding-DNA position 6538, A replaced by G.
Protein change: p.Lys2180Glu; replaces lysine 2180 with glutamic acid.
Molecular consequence: missense variant. On other transcripts: non-coding transcript variant (2).
Genome position (GRCh38, 1-based): chr5:112,842,132, A>G. VCF-style: chr5-112842132-A-G. GRCh37 (hg19) VCF-style: chr5-112177829-A-G.
Other names: c.6538A>G, p.Lys2180Glu (NM_001127510.3, NM_001354895.2, NM_001407450.1); c.6484A>G, p.Lys2162Glu (NM_001127511.3); c.6592A>G, p.Lys2198Glu (NM_001354896.2, NM_001407447.1, NM_001407448.1 and 1 more transcripts); c.6568A>G, p.Lys2190Glu (NM_001354897.2); c.6463A>G, p.Lys2155Glu (NM_001354898.2); c.6454A>G, p.Lys2152Glu (NM_001354899.2); c.6415A>G, p.Lys2139Glu (NM_001354900.2); c.6361A>G, p.Lys2121Glu (NM_001354901.2, NM_001407453.1); and 11 more; short protein forms K1796E, K1897E, K2020E, K2051E, K2054E, K2079E, K2089E, K2097E.
Identifiers: ClinVar variation 3365786 (VCV003365786.1).

ClinVar aggregate classification (germline): Uncertain significance (1 of 4 stars; one submission).

Submission:

GeneDx
Classification: Uncertain significance. Last evaluated: 2023-12-20. Review status: criteria provided, single submitter. Criteria: GeneDx Variant Classification Process June 2021. Collection method: clinical testing. Allele origin: germline. Affected: yes.
Comment: Not observed at significant frequency in large population cohorts (gnomAD); In silico analysis supports that this missense variant does not alter protein structure/function; Has not been previously published as pathogenic or benign to our knowledge